The following is an entry in ClinVar:

NM_198576.4(AGRN):c.2013C>T (p.Ser671=)

Gene: AGRN (agrin; plus strand). Cytogenetic location: 1p36.33.
Variant type: single nucleotide variant.
Coding change: c.2013C>T on transcript NM_198576.4 (MANE Select); coding-DNA position 2013, C replaced by T.
Protein change: p.Ser671=; no amino-acid change (serine 671 retained).
Molecular consequence: synonymous variant.
Genome position (GRCh38, 1-based): chr1:1,044,122, C>T. VCF-style: chr1-1044122-C-T. GRCh37 (hg19) VCF-style: chr1-979502-C-T.
Other names: p.Ser671=; c.2013C>T, p.Ser671= (NM_001305275.2); c.1698C>T, p.Ser566= (NM_001364727.2).
Identifiers: ClinVar variation 501493 (VCV000501493.43), dbSNP rs141603403, ClinGen allele CA508438.
Genomic context (GRCh38, chr1:1,044,122, plus strand): 5'-GCTTTGGACAAGAAGCCCCTGGGTGACTCTGCTCCCCTTCCCCGCAGCCGAGTGCGGTTC[C>T]GGAGGCTCTGGCTCTGGGGAGGACGGTGACTGTGAGCAGGAGCTGTGCCGGCAGCGCGGT-3'
Protein context (NP_940978.2, residues 661-681): AGPCEQAECG[Ser671=]GGSGSGEDGD

ClinVar aggregate classification (germline): Conflicting classifications of pathogenicity. Review status: criteria provided, conflicting classifications (1 of 4 stars). 5 submissions from 5 submitters: Uncertain significance (1); Benign (1); Likely benign (3). Last evaluated 2025-11-03.

Conditions:
Congenital myasthenic syndrome 8. Also called: Myasthenic syndrome, congenital, 8, with pre- and postsynaptic defects; MYASTHENIC SYNDROME, CONGENITAL, DUE TO AGRIN DEFICIENCY. Identifiers: Orphanet 590, MedGen C3808739, MONDO:0014052, OMIM 615120.

Allele frequency attached by ClinVar (database versions not stated): ESP Exome Variant Server 0.00031; 1000 Genomes Project 0.00040; 1000 Genomes Project 30x 0.00047; gnomAD 0.00088 and 0.00093; TOPMed 0.00113.
gnomAD v4.1: 255 of 1,613,268 alleles (0.016%); highest among the groups gnomAD compares: African/African-American, 0.31%; 1 homozygote.

Submissions (5):

Labcorp Genetics (formerly Invitae), Labcorp
Classification: Benign for Congenital myasthenic syndrome 8. Last evaluated: 2025-11-03. Review status: criteria provided, single submitter. Criteria: Invitae Variant Classification Sherloc (09022015). Collection method: clinical testing. Allele origin: germline.

Mayo Clinic Laboratories, Mayo Clinic
Classification: Likely benign. Last evaluated: 2025-05-27. Review status: criteria provided, single submitter. Criteria: ACMG Guidelines, 2015. Collection method: clinical testing. Allele origin: germline. Observed: 1 variant allele.
Comment: BP4, BP7

Blueprint Genetics
Classification: Likely benign. Last evaluated: 2024-07-17. Review status: criteria provided, single submitter. Criteria: ACMG Guidelines, 2015. Collection method: clinical testing. Allele origin: germline.

CeGaT Center for Human Genetics Tuebingen
Classification: Likely benign. Last evaluated: 2023-07-01. Review status: criteria provided, single submitter. Criteria: CeGaT Center For Human Genetics Tuebingen Variant Classification Criteria Version 2. Collection method: clinical testing. Allele origin: germline. Affected: yes. Observed: 2 variant alleles.
Comment: AGRN: BP4, BP7

Eurofins Ntd Llc (ga)
Classification: Uncertain significance. Last evaluated: 2017-04-14. Review status: criteria provided, single submitter. Criteria: EGL Classification Definitions 2015. Collection method: clinical testing. Allele origin: germline. Observed: 1 variant allele, 1 heterozygote.